The following is an entry in ClinVar:

ClinVar aggregate classification (germline): Likely pathogenic. Review status: criteria provided, multiple submitters, no conflicts (2 of 4 stars). 3 submissions from 3 submitters: Likely pathogenic (3). Last evaluated 2024-11-14.

Conditions:
Familial aortopathy. Identifiers: MedGen CN078214.
Ehlers-Danlos syndrome, type 4 (EDSVASC). Also called: Ehlers-Danlos Syndrome Type IV; Ehlers-Danlos syndrome vascular type; Ehlers Danlos syndrome, ecchymotic type; Ehlers Danlos syndrome, arterial type; Ehlers Danlos syndrome, Sack-Barabas type. Identifiers: Orphanet 286, MedGen C0268338, MONDO:0017314, OMIM 130050.

Submissions (3):

GeneDx
Classification: Likely pathogenic. Last evaluated: 2024-11-14. Review status: criteria provided, single submitter. Criteria: GeneDx Variant Classification Process June 2021. Collection method: clinical testing. Allele origin: germline. Affected: yes.
Comment: Has not been previously published as pathogenic or benign to our knowledge; Not observed at significant frequency in large population cohorts (gnomAD); Occurs in the triple helical domain and replaces the glycine in the canonical Gly-X-Y repeat; missense substitution of a canonical glycine residue is expected to disrupt normal protein folding and function, and this is an established mechanism of disease (HGMD); In silico analysis supports that this missense variant has a deleterious effect on protein structure/function; This variant is associated with the following publications: (PMID: 9036918, 10706896)

Women's Health and Genetics/Laboratory Corporation of America, LabCorp
Classification: Likely pathogenic for Familial aortopathy. Last evaluated: 2024-08-02. Review status: criteria provided, single submitter. Criteria: LabCorp Variant Classification Summary - May 2015. Collection method: clinical testing. Allele origin: germline.
Comment: Variant summary: COL3A1 c.3014G>C (p.Gly1005Ala) results in a non-conservative amino acid change located within the triple-helical region (UniProt) of the encoded protein sequence. This missense variant disrupts a critical glycine residue at position 1 of a Gly-X-Y repeat in the collagenous domain of the collagen III alpha 1 chain. Five of five in-silico tools predict a damaging effect of the variant on protein function. The variant was absent in 251428 control chromosomes. The available data on variant occurrences in the general population are insufficient to allow any conclusion about variant significance. To our knowledge, no occurrence of c.3014G>C in individuals affected with Aortopathy and no experimental evidence demonstrating its impact on protein function have been reported. ClinVar contains an entry for this variant (Variation ID: 2757881). Based on the evidence outlined above, the variant was classified as likely pathogenic.

Labcorp Genetics (formerly Invitae), Labcorp
Classification: Likely pathogenic for Ehlers-Danlos syndrome, type 4. Last evaluated: 2024-07-16. Review status: criteria provided, single submitter. Criteria: Invitae Variant Classification Sherloc (09022015). Collection method: clinical testing. Allele origin: germline.
Comment: This sequence change replaces glycine, which is neutral and non-polar, with alanine, which is neutral and non-polar, at codon 1005 of the COL3A1 protein (p.Gly1005Ala). This variant is not present in population databases (gnomAD no frequency). This variant has not been reported in the literature in individuals affected with COL3A1-related conditions. Advanced modeling of protein sequence and biophysical properties (such as structural, functional, and spatial information, amino acid conservation, physicochemical variation, residue mobility, and thermodynamic stability) performed at Invitae indicates that this missense variant is expected to disrupt COL3A1 protein function with a positive predictive value of 95%. This variant disrupts the triple helix domain of COL3A1. Glycine residues within the Gly-Xaa-Yaa repeats of the triple helix domain are required for the structure and stability of fibrillar collagens (PMID: 7695699, 8218237, 19344236). In COL3A1, variants that affect these glycine residues are significantly enriched in individuals with disease (PMID: 24922459, 25758994) compared to the general population (ExAC). In summary, the currently available evidence indicates that the variant is pathogenic, but additional data are needed to prove that conclusively. Therefore, this variant has been classified as Likely Pathogenic.

Literature cited by the submitters: PubMed 7695699 (cited by Labcorp Genetics (formerly Invitae), Labcorp); PubMed 8218237 (cited by Labcorp Genetics (formerly Invitae), Labcorp); PubMed 19344236 (cited by Labcorp Genetics (formerly Invitae), Labcorp); PubMed 24922459 (cited by Labcorp Genetics (formerly Invitae), Labcorp); PubMed 25758994 (cited by Labcorp Genetics (formerly Invitae), Labcorp).

NM_000090.4(COL3A1):c.3014G>C (p.Gly1005Ala)

Gene: COL3A1 (collagen type III alpha 1 chain; plus strand). Cytogenetic location: 2q32.2.
Variant type: single nucleotide variant.
Coding change: c.3014G>C on transcript NM_000090.4 (MANE Select); coding-DNA position 3014, G replaced by C.
Protein change: p.Gly1005Ala; replaces glycine 1005 with alanine.
Molecular consequence: missense variant.
Genome position (GRCh38, 1-based): chr2:189,005,432, G>C. VCF-style: chr2-189005432-G-C. GRCh37 (hg19) VCF-style: chr2-189870158-G-C.
Other names: short protein forms G1005A.
Identifiers: ClinVar variation 2757881 (VCV002757881.5), dbSNP rs2469156496, ClinGen allele CA349844829.